The following is an entry in ClinVar:

ClinVar aggregate classification (germline): Benign/Likely benign. Review status: criteria provided, multiple submitters, no conflicts (2 of 4 stars). 2 submissions from 2 submitters: Benign (1); Likely benign (1). Last evaluated 2024-08-22.

Conditions:
Hereditary cancer-predisposing syndrome. Also called: Neoplastic Syndromes, Hereditary; Tumor predisposition; Hereditary Cancer Syndrome; Hereditary neoplastic syndrome. Identifiers: Orphanet 140162, MedGen C0027672, MeSH D009386, MONDO:0015356.
Familial cancer of breast. Also called: BREAST CANCER, FAMILIAL; hereditary breast carcinoma; Hereditary breast cancer. Identifiers: Orphanet 227535, MedGen C0346153, MONDO:0016419, OMIM 114480. Disease mechanism: loss of function.

Submissions (2):

Myriad Genetics, Inc.
Classification: Benign for Familial cancer of breast. Last evaluated: 2024-08-22. Review status: criteria provided, single submitter. Criteria: Myriad Autosomal Dominant, Autosomal Recessive and X-Linked Classification Criteria (2023). Collection method: clinical testing. Allele origin: unknown.
Comment: This variant is considered benign. This variant is a silent/synonymous amino acid change and it is not expected to impact splicing.

Ambry Genetics
Classification: Likely benign for Hereditary cancer-predisposing syndrome. Last evaluated: 2019-07-12. Review status: criteria provided, single submitter. Criteria: Ambry Variant Classification Scheme 2023. Collection method: clinical testing. Allele origin: germline.

NM_032043.3(BRIP1):c.663T>C (p.Thr221=)

Gene: BRIP1 (BRCA1 interacting DNA helicase 1; minus strand). Cytogenetic location: 17q23.2.
Variant type: single nucleotide variant.
Coding change: c.663T>C on transcript NM_032043.3 (MANE Select); coding-DNA position 663, T replaced by C.
Protein change: p.Thr221=; no amino-acid change (threonine 221 retained).
Molecular consequence: synonymous variant.
Genome position (GRCh38, 1-based): chr17:61,808,722, A>G on the plus strand (T>C on the coding strand, the complement: BRIP1 is on the minus strand). VCF-style: chr17-61808722-A-G. GRCh37 (hg19) VCF-style: chr17-59886083-A-G.
Identifiers: ClinVar variation 1754642 (VCV001754642.3), dbSNP rs2145422231, ClinGen allele CA501335732.